The following is an entry in ClinVar:

ClinVar aggregate classification (germline): Uncertain significance (1 of 4 stars; one submission).

gnomAD v4.1: 10 of 1,577,430 alleles (0.00063%); highest among the groups gnomAD compares: South Asian, 0.01%; no homozygotes.

Submission:

Labcorp Genetics (formerly Invitae), Labcorp
Classification: Uncertain significance. Last evaluated: 2022-10-26. Review status: criteria provided, single submitter. Criteria: Invitae Variant Classification Sherloc (09022015). Collection method: clinical testing. Allele origin: germline.
Comment: This sequence change replaces arginine, which is basic and polar, with serine, which is neutral and polar, at codon 658 of the TCIRG1 protein (p.Arg658Ser). The frequency data for this variant in the population databases is considered unreliable, as metrics indicate poor data quality at this position in the gnomAD database. This variant has not been reported in the literature in individuals affected with TCIRG1-related conditions. Advanced modeling of protein sequence and biophysical properties (such as structural, functional, and spatial information, amino acid conservation, physicochemical variation, residue mobility, and thermodynamic stability) performed at Invitae indicates that this missense variant is not expected to disrupt TCIRG1 protein function. In summary, the available evidence is currently insufficient to determine the role of this variant in disease. Therefore, it has been classified as a Variant of Uncertain Significance.

NM_006019.4(TCIRG1):c.1972C>A (p.Arg658Ser)

Gene: TCIRG1 (T cell immune regulator 1, ATPase H+ transporting V0 subunit a3; plus strand). Cytogenetic location: 11q13.2.
Variant type: single nucleotide variant.
Coding change: c.1972C>A on transcript NM_006019.4 (MANE Select); coding-DNA position 1972, C replaced by A.
Protein change: p.Arg658Ser; replaces arginine 658 with serine.
Molecular consequence: missense variant.
Genome position (GRCh38, 1-based): chr11:68,049,747, C>A. VCF-style: chr11-68049747-C-A. GRCh37 (hg19) VCF-style: chr11-67817214-C-A.
Other names: c.1078C>A, p.Arg360Ser (NM_001351059.2); c.1324C>A, p.Arg442Ser (NM_006053.4); short protein forms R658S, R360S, R442S.
Identifiers: ClinVar variation 2170404 (VCV002170404.1), dbSNP rs769231419, ClinGen allele CA6147331.